The following is an entry in ClinVar:

NM_001160148.2(DDHD1):c.1503+5G>C

Gene: DDHD1 (DDHD domain containing 1; minus strand). Cytogenetic location: 14q22.1.
Variant type: single nucleotide variant.
Coding change: c.1503+5G>C on transcript NM_001160148.2 (MANE Select); 5 bases into the intron after coding-DNA position 1503, G replaced by C.
Molecular consequence: intron variant.
Genome position (GRCh38, 1-based): chr14:53,072,592, C>G on the plus strand (G>C on the coding strand, the complement: DDHD1 is on the minus strand). VCF-style: chr14-53072592-C-G. GRCh37 (hg19) VCF-style: chr14-53539310-C-G.
Other names: c.1503+5G>C (NM_030637.3); c.1524+5G>C (NM_001160147.2).
Identifiers: ClinVar variation 532958 (VCV000532958.6), dbSNP rs370071581, ClinGen allele CA7191224.

ClinVar aggregate classification (germline): Uncertain significance (1 of 4 stars; one submission).

Conditions:
Hereditary spastic paraplegia 28. Also called: Spastic paraplegia 28, autosomal recessive. Identifiers: Orphanet 101008, MedGen C1836295, MONDO:0012256, OMIM 609340.

Allele frequency attached by ClinVar (database versions not stated): gnomAD exomes 0.00001 and below 0.00001; ESP Exome Variant Server 0.00015; ExAC 0.00002; gnomAD 0.00001; TOPMed 0.00001.
gnomAD v4.1: 4 of 1,479,978 alleles (0.00027%); highest among the groups gnomAD compares: Non-Finnish European, 0.00037%; no homozygotes.

Submission:

Labcorp Genetics (formerly Invitae), Labcorp
Classification: Uncertain significance for Hereditary spastic paraplegia 28. Last evaluated: 2017-12-29. Review status: criteria provided, single submitter. Criteria: Invitae Variant Classification Sherloc (09022015). Collection method: clinical testing. Allele origin: germline.
Comment: This variant is present in population databases (rs370071581, ExAC 0.003%). This sequence change falls in intron 7 of the DDHD1 gene. It does not directly change the encoded amino acid sequence of the DDHD1 protein, but it affects a nucleotide within the consensus splice site of the intron. In summary, the available evidence is currently insufficient to determine the role of this variant in disease. Therefore, it has been classified as a Variant of Uncertain Significance. Nucleotide substitutions within the consensus splice site are a relatively common cause of aberrant splicing (PMID: 17576681, 9536098). Algorithms developed to predict the effect of sequence changes on RNA splicing suggest that this variant may disrupt the consensus splice site, but this prediction has not been confirmed by published transcriptional studies. This variant has not been reported in the literature in individuals with DDHD1-related disease.

Literature cited by the submitters: PubMed 17576681; PubMed 9536098.